The following is an entry in ClinVar:

NM_000521.4(HEXB):c.91_108dup (p.Val36_Val37insThrGlnValAlaLeuVal)

Gene: HEXB (hexosaminidase subunit beta; plus strand). Cytogenetic location: 5q13.3.
Variant type: Duplication.
Coding change: c.91_108dup on transcript NM_000521.4 (MANE Select); coding-DNA positions 91 to 108, 18 bases duplicated (ACTCAGGTGGCGCTGGTG).
Protein change: p.Val36_Val37insThrGlnValAlaLeuVal.
Molecular consequence: inframe insertion. On other transcripts: intron variant (1).
Genome position (GRCh38, 1-based): chr5:74,685,351-74,685,368, ACTCAGGTGGCGCTGGTG duplicated; duplicating any 18 consecutive bases within chr5:74,685,349-74,685,368 gives the same sequence; the c. name uses the placement nearest the transcript's 3' end. VCF-style (leftmost placement, unchanged base first): chr5-74685348-C-CTGACTCAGGTGGCGCTGG. GRCh37 (hg19) VCF-style: chr5-73981173-C-CTGACTCAGGTGGCGCTGG.
Other names: c.-376-3977_-376-3960dup (NM_001292004.2).
Identifiers: ClinVar variation 5004343 (VCV005004343.1).

ClinVar aggregate classification (germline): Uncertain significance (1 of 4 stars; one submission).

Conditions:
Sandhoff disease. Also called: HEXOSAMINIDASES A AND B DEFICIENCY; GM2-GANGLIOSIDOSIS, TYPE II; Beta-hexosaminidase-beta-subunit deficiency; GM2 gangliosidosis, type 2; Total hexosaminidase deficiency; Sandhoff-Jatzkewitz-Pilz disease. Identifiers: Orphanet 796, MedGen C0036161, MONDO:0010006, OMIM 268800.

Submission:

Myriad Genetics, Inc.
Classification: Uncertain significance for Sandhoff disease. Last evaluated: 2025-12-27. Review status: criteria provided, single submitter. Criteria: Myriad Autosomal Dominant, Autosomal Recessive and X-Linked Classification Criteria (2023). Collection method: clinical testing. Allele origin: unknown.
Comment: NM_000521.3(HEXB):c.91_108dup18(T31_V36dup) is an in-frame insertion classified as a variant of uncertain significance in the context of Sandhoff disease. T31_V36dup has not been observed in cases with relevant disease. Relevant functional assessments of this variant are not available in the literature. T31_V36dup has not been observed in referenced population frequency databases. In summary, there is insufficient evidence to classify NM_000521.3(HEXB):c.91_108dup18(T31_V36dup) as pathogenic or benign. Please note: this variant was assessed in the context of healthy population screening.